The following is an entry in ClinVar:

ClinVar aggregate classification (germline): Uncertain significance (1 of 4 stars; one submission).

Conditions:
Familial hypocalciuric hypercalcemia (FHH). Also called: Familial benign hypercalcemia. Identifiers: Orphanet 405, MedGen C1809471, MONDO:0018458.
Autosomal dominant hypocalcemia 1 (HYPOC1). Also called: HYPOCALCEMIA, FAMILIAL. Identifiers: MedGen C3715128, MONDO:0011013, OMIM 601198.

Submission:

Labcorp Genetics (formerly Invitae), Labcorp
Classification: Uncertain significance for Familial hypocalciuric hypercalcemia; Autosomal dominant hypocalcemia 1. Last evaluated: 2019-05-01. Review status: criteria provided, single submitter. Criteria: Invitae Variant Classification Sherloc (09022015). Collection method: clinical testing. Allele origin: germline.
Comment: This variant has not been reported in the literature in individuals with CASR-related conditions. In summary, the available evidence is currently insufficient to determine the role of this variant in disease. Therefore, it has been classified as a Variant of Uncertain Significance. Algorithms developed to predict the effect of missense changes on protein structure and function (SIFT, PolyPhen-2, Align-GVGD) all suggest that this variant is likely to be disruptive, but these predictions have not been confirmed by published functional studies and their clinical significance is uncertain. This variant is not present in population databases (ExAC no frequency). This sequence change replaces tryptophan with cysteine at codon 718 of the CASR protein (p.Trp718Cys). The tryptophan residue is highly conserved and there is a large physicochemical difference between tryptophan and cysteine.

NM_000388.4(CASR):c.2154G>C (p.Trp718Cys)

Gene: CASR (calcium sensing receptor; plus strand). Cytogenetic location: 3q21.1.
Variant type: single nucleotide variant.
Coding change: c.2154G>C on transcript NM_000388.4 (MANE Select); coding-DNA position 2154, G replaced by C.
Protein change: p.Trp718Cys; replaces tryptophan 718 with cysteine.
Molecular consequence: missense variant.
Genome position (GRCh38, 1-based): chr3:122,284,108, G>C. VCF-style: chr3-122284108-G-C. GRCh37 (hg19) VCF-style: chr3-122002955-G-C.
Other names: c.2184G>C, p.Trp728Cys (NM_001178065.2); short protein forms W728C, W718C.
Identifiers: ClinVar variation 945096 (VCV000945096.10), dbSNP rs2074932551, ClinGen allele CA354158811.